The following is an entry in ClinVar:

ClinVar aggregate classification (germline): Uncertain significance. Review status: criteria provided, multiple submitters, no conflicts (2 of 4 stars). 2 submissions from 2 submitters: Uncertain significance (2). Last evaluated 2024-10-22.

Conditions:
Inborn genetic diseases. Identifiers: MedGen C0950123, MeSH D030342.

gnomAD v4.1: 28 of 1,614,090 alleles (0.0017%); highest among the groups gnomAD compares: Middle Eastern, 0.016%; no homozygotes.

Submissions (2):

Labcorp Genetics (formerly Invitae), Labcorp
Classification: Uncertain significance. Last evaluated: 2024-10-22. Review status: criteria provided, single submitter. Criteria: Invitae Variant Classification Sherloc (09022015). Collection method: clinical testing. Allele origin: germline.
Comment: This sequence change replaces isoleucine, which is neutral and non-polar, with phenylalanine, which is neutral and non-polar, at codon 81 of the NTRK2 protein (p.Ile81Phe). This variant is present in population databases (no rsID available, gnomAD 0.004%). This variant has not been reported in the literature in individuals affected with NTRK2-related conditions. ClinVar contains an entry for this variant (Variation ID: 2271068). Invitae Evidence Modeling of protein sequence and biophysical properties (such as structural, functional, and spatial information, amino acid conservation, physicochemical variation, residue mobility, and thermodynamic stability) indicates that this missense variant is not expected to disrupt NTRK2 protein function with a negative predictive value of 80%. In summary, the available evidence is currently insufficient to determine the role of this variant in disease. Therefore, it has been classified as a Variant of Uncertain Significance.

Ambry Genetics
Classification: Uncertain significance for Inborn genetic diseases. Last evaluated: 2022-02-18. Review status: criteria provided, single submitter. Criteria: Ambry Variant Classification Scheme 2023. Collection method: clinical testing. Allele origin: germline.

NM_006180.6(NTRK2):c.241A>T (p.Ile81Phe)

Genes: NTRK2 (neurotrophic receptor tyrosine kinase 2; plus strand), LOC130001952 (ATAC-STARR-seq lymphoblastoid active region 28508; plus strand). Cytogenetic location: 9q21.33.
Variant type: single nucleotide variant.
Coding change: c.241A>T on transcript NM_006180.6 (MANE Select); coding-DNA position 241, A replaced by T.
Protein change: p.Ile81Phe; replaces isoleucine 81 with phenylalanine.
Molecular consequence: missense variant. On other transcripts: 5 prime UTR variant (4).
Genome position (GRCh38, 1-based): chr9:84,702,187, A>T. VCF-style: chr9-84702187-A-T. GRCh37 (hg19) VCF-style: chr9-87317102-A-T.
Other names: c.241A>T, p.Ile81Phe (NM_001007097.3, NM_001018064.3, NM_001018065.2 and 19 more transcripts); c.-228A>T (NM_001369535.1, NM_001369536.1, NM_001369550.1 and 1 more transcripts); short protein forms I81F.
Identifiers: ClinVar variation 2271068 (VCV002271068.5), dbSNP rs775430298, ClinGen allele CA374005059.